The following is an entry in ClinVar:

ClinVar aggregate classification (germline): Uncertain significance. Review status: criteria provided, multiple submitters, no conflicts (2 of 4 stars). 3 submissions from 3 submitters: Uncertain significance (3). Last evaluated 2026-04-01.

Conditions:
Inborn genetic diseases. Identifiers: MedGen C0950123, MeSH D030342.

Allele frequency attached by ClinVar (database versions not stated): gnomAD 0.00001.
gnomAD v4.1: 69 of 1,601,198 alleles (0.0043%); highest among the groups gnomAD compares: Non-Finnish European, 0.0051%; no homozygotes.

Submissions (3):

GeneDx
Classification: Uncertain significance. Last evaluated: 2026-04-01. Review status: criteria provided, single submitter. Criteria: GeneDx Variant Classification Process June 2021. Collection method: clinical testing. Allele origin: germline.
Comment: Not observed at significant frequency in large population cohorts (gnomAD); In silico analysis suggests that this missense variant does not alter protein structure/function; Has not been previously published as pathogenic or benign to our knowledge

Ambry Genetics
Classification: Uncertain significance for Inborn genetic diseases. Last evaluated: 2025-08-05. Review status: criteria provided, single submitter. Criteria: Ambry Variant Classification Scheme 2023. Collection method: clinical testing. Allele origin: germline.

Mayo Clinic Laboratories, Mayo Clinic
Classification: Uncertain significance. Last evaluated: 2021-06-10. Review status: criteria provided, single submitter. Criteria: ACMG Guidelines, 2015. Collection method: clinical testing. Allele origin: germline.

NM_016035.5(COQ4):c.680G>A (p.Arg227His)

Gene: COQ4 (coenzyme Q4; plus strand). Cytogenetic location: 9q34.11.
Variant type: single nucleotide variant.
Coding change: c.680G>A on transcript NM_016035.5 (MANE Select); coding-DNA position 680, G replaced by A.
Protein change: p.Arg227His; replaces arginine 227 with histidine.
Molecular consequence: missense variant. On other transcripts: 3 prime UTR variant (1).
Genome position (GRCh38, 1-based): chr9:128,333,527, G>A. VCF-style: chr9-128333527-G-A. GRCh37 (hg19) VCF-style: chr9-131095806-G-A.
Other names: p.Arg227His; c.*56G>A (NM_001305942.2); c.680G>A (NM_016035.3); short protein forms R227H.
Identifiers: ClinVar variation 1694008 (VCV001694008.9), dbSNP rs750609726, ClinGen allele CA5260670.